The following is an entry in ClinVar:

NM_003126.4(SPTA1):c.3667C>T (p.Arg1223Ter)

Gene: SPTA1 (spectrin alpha, erythrocytic 1; minus strand). Cytogenetic location: 1q23.1.
Variant type: single nucleotide variant.
Coding change: c.3667C>T on transcript NM_003126.4 (MANE Select); coding-DNA position 3667, C replaced by T.
Protein change: p.Arg1223Ter; replaces arginine 1223 with a stop codon.
Molecular consequence: nonsense.
Genome position (GRCh38, 1-based): chr1:158,648,556, G>A on the plus strand (C>T on the coding strand, the complement: SPTA1 is on the minus strand). VCF-style: chr1-158648556-G-A. GRCh37 (hg19) VCF-style: chr1-158618346-G-A.
Other names: short protein forms R1223*.
Identifiers: ClinVar variation 2575485 (VCV002575485.3), dbSNP rs773675787, ClinGen allele CA1182979.
Genomic context (GRCh38, chr1:158,648,556, plus strand): 5'-GGACTTGTCTCACCTTATCTCCCAGGGGTACGAGGTCCCTTTCAAAGCCCTCATGCCGTC[G>A]CTGAAGAGCCTGAACACTGAACAGATCTGAGCCAGGGTCTGCAGCACTGAGGGCCTGGCA-3'

ClinVar aggregate classification (germline): Pathogenic/Likely pathogenic. Review status: criteria provided, multiple submitters, no conflicts (2 of 4 stars). 2 submissions from 2 submitters: Pathogenic (1); Likely pathogenic (1). Last evaluated 2025-08-28.

Allele frequency attached by ClinVar (database versions not stated): gnomAD exomes 0.00001; gnomAD 0.00001; TOPMed below 0.00001; ExAC 0.00001.
gnomAD v4.1: 13 of 1,613,836 alleles (0.00081%); highest among the groups gnomAD compares: Admixed American, 0.0033%; no homozygotes.

Submissions (2):

Labcorp Genetics (formerly Invitae), Labcorp
Classification: Pathogenic. Last evaluated: 2025-08-28. Review status: criteria provided, single submitter. Criteria: Invitae Variant Classification Sherloc (09022015). Collection method: clinical testing. Allele origin: germline.
Comment: This sequence change creates a premature translational stop signal (p.Arg1223*) in the SPTA1 gene. It is expected to result in an absent or disrupted protein product. Loss-of-function variants in SPTA1 are known to be pathogenic (PMID: 9192783, 18815189, 31333484, 31723846, 32266426). This variant is present in population databases (rs773675787, gnomAD 0.006%). This variant has not been reported in the literature in individuals affected with SPTA1-related conditions. ClinVar contains an entry for this variant (Variation ID: 2575485). For these reasons, this variant has been classified as Pathogenic.

Center for Genomic Medicine, Rigshospitalet, Copenhagen University Hospital
Classification: Likely pathogenic. Last evaluated: 2025-03-04. Review status: criteria provided, single submitter. Criteria: ACMG Guidelines, 2015. Collection method: clinical testing. Allele origin: germline.

Literature cited by the submitters: PubMed 9192783 (cited by Labcorp Genetics (formerly Invitae), Labcorp); PubMed 18815189 (cited by Labcorp Genetics (formerly Invitae), Labcorp); PubMed 31333484 (cited by Labcorp Genetics (formerly Invitae), Labcorp); PubMed 31723846 (cited by Labcorp Genetics (formerly Invitae), Labcorp and Center for Genomic Medicine, Rigshospitalet, Copenhagen University Hospital); PubMed 32266426 (cited by Labcorp Genetics (formerly Invitae), Labcorp).